The following is an entry in ClinVar:

ClinVar aggregate classification (germline): Pathogenic (1 of 4 stars; one submission).

Submission:

GeneDx
Classification: Pathogenic. Last evaluated: 2017-09-11. Review status: criteria provided, single submitter. Criteria: GeneDx Variant Classification (06012015). Collection method: clinical testing. Allele origin: germline. Affected: yes.
Comment: Approximately 5% of females who are heterozygous for mutations in the L1CAM gene will exhibit clinical manifestations of an L1CAM-related disorder (Kaepernick et al., 1994).

NM_001278116.2(L1CAM):c.2547+1G>A

Gene: L1CAM (L1 cell adhesion molecule; minus strand). Cytogenetic location: Xq28.
Variant type: single nucleotide variant.
Coding change: c.2547+1G>A on transcript NM_001278116.2 (MANE Select); the canonical splice donor site of the intron after coding-DNA position 2547, G replaced by A.
Molecular consequence: splice donor variant.
Genome position (GRCh38, 1-based): chrX:153,865,703, C>T on the plus strand (G>A on the coding strand, the complement: L1CAM is on the minus strand). VCF-style: chrX-153865703-C-T. GRCh37 (hg19) VCF-style: chrX-153131158-C-T.
Other names: c.2532+1G>A (NM_001143963.2); c.2547+1G>A (NM_024003.3, NM_000425.5).
Identifiers: ClinVar variation 265227 (VCV000265227.2), dbSNP rs886039411, ClinGen allele CA10588746.